The following is an entry in ClinVar:

NM_006096.4(NDRG1):c.892C>T (p.Pro298Ser)

Gene: NDRG1 (N-myc downstream regulated 1; minus strand). Cytogenetic location: 8q24.22.
Variant type: single nucleotide variant.
Coding change: c.892C>T on transcript NM_006096.4 (MANE Select); coding-DNA position 892, C replaced by T.
Protein change: p.Pro298Ser; replaces proline 298 with serine.
Molecular consequence: missense variant.
Genome position (GRCh38, 1-based): chr8:133,242,074, G>A on the plus strand (C>T on the coding strand, the complement: NDRG1 is on the minus strand). VCF-style: chr8-133242074-G-A. GRCh37 (hg19) VCF-style: chr8-134254317-G-A.
Other names: c.892C>T, p.Pro298Ser (NM_001135242.2, NM_001374845.1, NM_001374846.1); c.694C>T, p.Pro232Ser (NM_001258432.2, NM_001374847.1); c.649C>T, p.Pro217Ser (NM_001258433.2); c.943C>T, p.Pro315Ser (NM_001374844.1); short protein forms P217S, P232S, P298S, P315S.
Identifiers: ClinVar variation 2050321 (VCV002050321.1), dbSNP rs201348291, ClinGen allele CA4886487.
Genomic context (GRCh38, chr8:133,242,074, plus strand): 5'-CATACTCACTGTATCCCATGCCCTGCACGAAGTACTTGAAGGCCTCAGCGAGCTTGGCCG[G>A]CTGCGAGAGACAAGGAGAGAAAATGCAGTCAGTTGCTGGGGAGCCAGATCACCCGAGGCC-3'
Protein context (NP_006087.2, residues 288-308): DCGGLPQISQ[Pro298Ser]AKLAEAFKYF

ClinVar aggregate classification (germline): Uncertain significance (1 of 4 stars; one submission).

Conditions:
Charcot-Marie-Tooth disease type 4. Also called: Charcot-Marie-Tooth disease, type IV; Charcot-Marie-Tooth, Type 4. Identifiers: Orphanet 64749, MedGen C4082197, MONDO:0018995.

Allele frequency attached by ClinVar (database versions not stated): gnomAD exomes below 0.00001; ExAC 0.00001; gnomAD 0.00001; 1000 Genomes Project 30x 0.00016; 1000 Genomes Project 0.00020.
gnomAD v4.1: 6 of 1,614,234 alleles (0.00037%); highest among the groups gnomAD compares: East Asian, 0.0022%; no homozygotes.

Submission:

Labcorp Genetics (formerly Invitae), Labcorp
Classification: Uncertain significance for Charcot-Marie-Tooth disease type 4. Last evaluated: 2022-01-07. Review status: criteria provided, single submitter. Criteria: Invitae Variant Classification Sherloc (09022015). Collection method: clinical testing. Allele origin: germline.
Comment: This sequence change replaces proline, which is neutral and non-polar, with serine, which is neutral and polar, at codon 298 of the NDRG1 protein (p.Pro298Ser). This variant is present in population databases (rs201348291, gnomAD 0.006%). This variant has not been reported in the literature in individuals affected with NDRG1-related conditions. Algorithms developed to predict the effect of missense changes on protein structure and function (SIFT, PolyPhen-2, Align-GVGD) all suggest that this variant is likely to be disruptive. In summary, the available evidence is currently insufficient to determine the role of this variant in disease. Therefore, it has been classified as a Variant of Uncertain Significance.